The following is an entry in ClinVar:

NM_001278669.2(NFATC1):c.1376C>G (p.Pro459Arg)

Gene: NFATC1 (nuclear factor of activated T cells 1; plus strand). Cytogenetic location: 18q23.
Variant type: single nucleotide variant.
Coding change: c.1376C>G on transcript NM_001278669.2 (MANE Select); coding-DNA position 1376, C replaced by G.
Protein change: p.Pro459Arg; replaces proline 459 with arginine.
Molecular consequence: missense variant. On other transcripts: 5 prime UTR variant (2).
Genome position (GRCh38, 1-based): chr18:79,433,728, C>G. VCF-style: chr18-79433728-C-G. GRCh37 (hg19) VCF-style: chr18-77193728-C-G.
Other names: c.1376C>G, p.Pro459Arg (NM_001278670.2, NM_006162.5, NM_172390.3); c.1337C>G, p.Pro446Arg (NM_001278672.2, NM_001278675.2, NM_172387.3 and 1 more transcripts); c.-41C>G (NM_001278673.2, NM_172388.3); short protein forms P446R, P459R.
Identifiers: ClinVar variation 4810401 (VCV004810401.1).

ClinVar aggregate classification (germline): Uncertain significance (1 of 4 stars; one submission).

Submission:

Labcorp Genetics (formerly Invitae), Labcorp
Classification: Uncertain significance. Last evaluated: 2025-07-27. Review status: criteria provided, single submitter. Criteria: Invitae Variant Classification Sherloc (09022015). Collection method: clinical testing. Allele origin: germline.
Comment: This sequence change replaces proline, which is neutral and non-polar, with arginine, which is basic and polar, at codon 459 of the NFATC1 protein (p.Pro459Arg). This variant is not present in population databases (gnomAD no frequency). This variant has not been reported in the literature in individuals affected with NFATC1-related conditions. An algorithm developed to predict the effect of missense changes on protein structure and function (PolyPhen-2) suggests that this variant is likely to be disruptive. In summary, the available evidence is currently insufficient to determine the role of this variant in disease. Therefore, it has been classified as a Variant of Uncertain Significance.